The following is an entry in ClinVar:

NM_004750.5(CRLF1):c.799C>T (p.Leu267Phe)

Genes: CRLF1 (cytokine receptor like factor 1; minus strand), LOC112543470 (Sharpr-MPRA regulatory region 11645; plus strand). Cytogenetic location: 19p13.11.
Variant type: single nucleotide variant.
Coding change: c.799C>T on transcript NM_004750.5 (MANE Select); coding-DNA position 799, C replaced by T.
Protein change: p.Leu267Phe; replaces leucine 267 with phenylalanine.
Molecular consequence: missense variant.
Genome position (GRCh38, 1-based): chr19:18,596,948, G>A on the plus strand (C>T on the coding strand, the complement: CRLF1 is on the minus strand). VCF-style: chr19-18596948-G-A. GRCh37 (hg19) VCF-style: chr19-18707758-G-A.
Other names: short protein forms L267F.
Identifiers: ClinVar variation 3690330 (VCV003690330.2).

ClinVar aggregate classification (germline): Uncertain significance (1 of 4 stars; one submission).

gnomAD v4.1: 11 of 1,614,022 alleles (0.00068%); highest among the groups gnomAD compares: Non-Finnish European, 0.00085%; no homozygotes.

Submission:

Labcorp Genetics (formerly Invitae), Labcorp
Classification: Uncertain significance. Last evaluated: 2025-10-02. Review status: criteria provided, single submitter. Criteria: Invitae Variant Classification Sherloc (09022015). Collection method: clinical testing. Allele origin: germline.
Comment: This sequence change replaces leucine, which is neutral and non-polar, with phenylalanine, which is neutral and non-polar, at codon 267 of the CRLF1 protein (p.Leu267Phe). This variant is present in population databases (no rsID available, gnomAD 0.004%). This variant has not been reported in the literature in individuals affected with CRLF1-related conditions. ClinVar contains an entry for this variant (Variation ID: 3690330). Invitae Evidence Modeling of protein sequence and biophysical properties (such as structural, functional, and spatial information, amino acid conservation, physicochemical variation, residue mobility, and thermodynamic stability) indicates that this missense variant is not expected to disrupt CRLF1 protein function with a negative predictive value of 80%. In summary, the available evidence is currently insufficient to determine the role of this variant in disease. Therefore, it has been classified as a Variant of Uncertain Significance.